The following is an entry in ClinVar:

ClinVar aggregate classification (germline): Uncertain significance (1 of 4 stars; one submission).

Conditions:
Emery-Dreifuss muscular dystrophy 4, autosomal dominant (EDMD4). Also called: EMERY-DREIFUSS MUSCULAR DYSTROPHY 4 WITH VARIABLE FEATURES. Identifiers: Orphanet 261, MedGen C2751807, MONDO:0013071, OMIM 612998.
Autosomal recessive ataxia, Beauce type. Also called: Spinocerebellar ataxia, autosomal recessive 8; ATAXIA, RECESSIVE, OF BEAUCE; SYNE1-Related Autosomal Recessive Cerebellar Ataxia; SYNE1 Deficiency. Identifiers: Orphanet 88644, MedGen C1853116, MONDO:0012549, OMIM 610743.

Allele frequency attached by ClinVar (database versions not stated): ExAC 0.00001; gnomAD exomes 0.00001 and 0.00002; TOPMed 0.00003; gnomAD 0.00005; ESP Exome Variant Server 0.00015.
gnomAD v4.1: 27 of 1,613,992 alleles (0.0017%); highest among the groups gnomAD compares: African/African-American, 0.0093%; no homozygotes.

Submission:

Labcorp Genetics (formerly Invitae), Labcorp
Classification: Uncertain significance for Emery-Dreifuss muscular dystrophy 4, autosomal dominant; Autosomal recessive ataxia, Beauce type. Last evaluated: 2022-02-02. Review status: criteria provided, single submitter. Criteria: Invitae Variant Classification Sherloc (09022015). Collection method: clinical testing. Allele origin: germline.
Comment: This sequence change replaces serine, which is neutral and polar, with asparagine, which is neutral and polar, at codon 7652 of the SYNE1 protein (p.Ser7652Asn). This variant is present in population databases (rs146280967, gnomAD 0.02%). This variant has not been reported in the literature in individuals affected with SYNE1-related conditions. ClinVar contains an entry for this variant (Variation ID: 942102). Algorithms developed to predict the effect of missense changes on protein structure and function output the following: SIFT: "Tolerated"; PolyPhen-2: "Benign"; Align-GVGD: "Class C0". The asparagine amino acid residue is found in multiple mammalian species, which suggests that this missense change does not adversely affect protein function. In summary, the available evidence is currently insufficient to determine the role of this variant in disease. Therefore, it has been classified as a Variant of Uncertain Significance.

NM_182961.4(SYNE1):c.23168G>A (p.Ser7723Asn)

Gene: SYNE1 (spectrin repeat containing nuclear envelope protein 1; minus strand). Cytogenetic location: 6q25.2.
Variant type: single nucleotide variant.
Coding change: c.23168G>A on transcript NM_182961.4 (MANE Select); coding-DNA position 23168, G replaced by A.
Protein change: p.Ser7723Asn; replaces serine 7723 with asparagine.
Molecular consequence: missense variant.
Genome position (GRCh38, 1-based): chr6:152,189,385, C>T on the plus strand (G>A on the coding strand, the complement: SYNE1 is on the minus strand). VCF-style: chr6-152189385-C-T. GRCh37 (hg19) VCF-style: chr6-152510520-C-T.
Other names: c.22955G>A, p.Ser7652Asn (NM_033071.5); short protein forms S7652N, S7723N.
Identifiers: ClinVar variation 942102 (VCV000942102.7), dbSNP rs146280967, ClinGen allele CA4053668.